The following is an entry in ClinVar:

NM_004820.5(CYP7B1):c.421dup (p.Cys141fs)

Gene: CYP7B1 (cytochrome P450 family 7 subfamily B member 1; minus strand). Cytogenetic location: 8q12.3.
Variant type: Duplication.
Coding change: c.421dup on transcript NM_004820.5 (MANE Select); coding-DNA position 421, one base duplicated (T; older notation c.421dupT).
Protein change: p.Cys141fs; shifts the reading frame from cysteine 141.
Molecular consequence: frameshift variant.
Genome position (GRCh38, 1-based): chr8:64,616,120, A duplicated on the plus strand (T on the coding strand, the reverse complement: CYP7B1 is on the minus strand). VCF-style (leftmost placement, unchanged base first): chr8-64616119-C-CA. GRCh37 (hg19) VCF-style: chr8-65528676-C-CA.
Other names: c.421dup, p.Cys141fs (NM_001324112.2); short protein forms C141fs.
Identifiers: ClinVar variation 1372522 (VCV001372522.6), dbSNP rs2129630217, ClinGen allele CA2573143286.

ClinVar aggregate classification (germline): Pathogenic (1 of 4 stars; one submission).

Conditions:
Spastic paraplegia. Identifiers: MedGen C0037772, HP:0001258.

Submission:

Labcorp Genetics (formerly Invitae), Labcorp
Classification: Pathogenic for Spastic paraplegia. Last evaluated: 2023-08-24. Review status: criteria provided, single submitter. Criteria: Invitae Variant Classification Sherloc (09022015). Collection method: clinical testing. Allele origin: germline.
Comment: For these reasons, this variant has been classified as Pathogenic. ClinVar contains an entry for this variant (Variation ID: 1372522). This variant has not been reported in the literature in individuals affected with CYP7B1-related conditions. This variant is not present in population databases (gnomAD no frequency). This sequence change creates a premature translational stop signal (p.Cys141Leufs*26) in the CYP7B1 gene. It is expected to result in an absent or disrupted protein product. Loss-of-function variants in CYP7B1 are known to be pathogenic (PMID: 9802883, 19363635, 19439420, 21541746, 21567895, 28039895).

Literature cited by the submitters: PubMed 9802883; PubMed 19363635; PubMed 19439420; PubMed 21541746; PubMed 21567895; PubMed 28039895.